The following is an entry in ClinVar:

ClinVar aggregate classification (germline): Conflicting classifications of pathogenicity. Review status: criteria provided, conflicting classifications (1 of 4 stars). 3 submissions from 3 submitters: Uncertain significance (2); Likely benign (1). Last evaluated 2025-12-17.

Conditions:
DICER1-related tumor predisposition. Also called: DICER1-related pleuropulmonary blastoma cancer predisposition syndrome; DICER1 syndrome. Identifiers: Orphanet 284343, MedGen C3839822, MONDO:0100216.
Hereditary cancer-predisposing syndrome. Also called: Hereditary Cancer Syndrome; Tumor predisposition; Hereditary neoplastic syndrome; Neoplastic Syndromes, Hereditary. Identifiers: Orphanet 140162, MedGen C0027672, MeSH D009386, MONDO:0015356.

Allele frequency attached by ClinVar (database versions not stated): gnomAD exomes below 0.00001 and 0.00001; ExAC 0.00001; gnomAD 0.00001; TOPMed 0.00001.
gnomAD v4.1: 8 of 1,612,736 alleles (0.0005%); highest among the groups gnomAD compares: East Asian, 0.0022%; no homozygotes.

Submissions (3):

Labcorp Genetics (formerly Invitae), Labcorp
Classification: Uncertain significance for DICER1-related tumor predisposition. Last evaluated: 2025-12-17. Review status: criteria provided, single submitter. Criteria: Invitae Variant Classification Sherloc (09022015). Collection method: clinical testing. Allele origin: germline.
Comment: This sequence change replaces alanine, which is neutral and non-polar, with threonine, which is neutral and polar, at codon 155 of the DICER1 protein (p.Ala155Thr). This variant is present in population databases (rs745802492, gnomAD 0.002%). This variant has not been reported in the literature in individuals affected with DICER1-related conditions. ClinVar contains an entry for this variant (Variation ID: 242115). Invitae Evidence Modeling of protein sequence and biophysical properties (such as structural, functional, and spatial information, amino acid conservation, physicochemical variation, residue mobility, and thermodynamic stability) indicates that this missense variant is not expected to disrupt DICER1 protein function with a negative predictive value of 95%. In summary, the available evidence is currently insufficient to determine the role of this variant in disease. Therefore, it has been classified as a Variant of Uncertain Significance.

GeneDx
Classification: Uncertain significance. Last evaluated: 2024-02-05. Review status: criteria provided, single submitter. Criteria: GeneDx Variant Classification Process June 2021. Collection method: clinical testing. Allele origin: germline.
Comment: Not observed at significant frequency in large population cohorts (gnomAD); In silico analysis supports that this missense variant does not alter protein structure/function; Has not been previously published as pathogenic or benign to our knowledge; This variant is associated with the following publications: (PMID: 26280510, 37457227)

Ambry Genetics
Classification: Likely benign for Hereditary cancer-predisposing syndrome. Last evaluated: 2023-12-01. Review status: criteria provided, single submitter. Criteria: Ambry Variant Classification Scheme 2023. Collection method: clinical testing. Allele origin: germline.

NM_177438.3(DICER1):c.463G>A (p.Ala155Thr)

Gene: DICER1 (dicer 1, ribonuclease III; minus strand). Cytogenetic location: 14q32.13.
Variant type: single nucleotide variant.
Coding change: c.463G>A on transcript NM_177438.3 (MANE Select); coding-DNA position 463, G replaced by A.
Protein change: p.Ala155Thr; replaces alanine 155 with threonine.
Molecular consequence: missense variant.
Genome position (GRCh38, 1-based): chr14:95,130,168, C>T on the plus strand (G>A on the coding strand, the complement: DICER1 is on the minus strand). VCF-style: chr14-95130168-C-T. GRCh37 (hg19) VCF-style: chr14-95596505-C-T.
Other names: c.463G>A, p.Ala155Thr (NM_001195573.1, NM_001271282.3, NM_001291628.2 and 1 more transcripts); short protein forms A155T.
Identifiers: ClinVar variation 242115 (VCV000242115.17), dbSNP rs745802492, ClinGen allele CA7331654.